The following is an entry in ClinVar:

ClinVar aggregate classification (germline): Uncertain significance (1 of 4 stars; one submission).

Submission:

Labcorp Genetics (formerly Invitae), Labcorp
Classification: Uncertain significance. Last evaluated: 2025-03-30. Review status: criteria provided, single submitter. Criteria: Invitae Variant Classification Sherloc (09022015). Collection method: clinical testing. Allele origin: germline.
Comment: This sequence change replaces phenylalanine, which is neutral and non-polar, with leucine, which is neutral and non-polar, at codon 84 of the KRT14 protein (p.Phe84Leu). This variant is not present in population databases (gnomAD no frequency). This variant has not been reported in the literature in individuals affected with KRT14-related conditions. Invitae Evidence Modeling of protein sequence and biophysical properties (such as structural, functional, and spatial information, amino acid conservation, physicochemical variation, residue mobility, and thermodynamic stability) indicates that this missense variant is not expected to disrupt KRT14 protein function with a negative predictive value of 95%. In summary, the available evidence is currently insufficient to determine the role of this variant in disease. Therefore, it has been classified as a Variant of Uncertain Significance.

NM_000526.5(KRT14):c.250T>C (p.Phe84Leu)

Gene: KRT14 (keratin 14; minus strand). Cytogenetic location: 17q21.2.
Variant type: single nucleotide variant.
Coding change: c.250T>C on transcript NM_000526.5 (MANE Select); coding-DNA position 250, T replaced by C.
Protein change: p.Phe84Leu; replaces phenylalanine 84 with leucine.
Molecular consequence: missense variant.
Genome position (GRCh38, 1-based): chr17:41,586,585, A>G on the plus strand (T>C on the coding strand, the complement: KRT14 is on the minus strand). VCF-style: chr17-41586585-A-G. GRCh37 (hg19) VCF-style: chr17-39742837-A-G.
Other names: short protein forms F84L.
Identifiers: ClinVar variation 4800820 (VCV004800820.1).